The following is an entry in ClinVar:

ClinVar aggregate classification (germline): Uncertain significance. Review status: criteria provided, multiple submitters, no conflicts (2 of 4 stars). 2 submissions from 2 submitters: Uncertain significance (2). Last evaluated 2024-07-16.

Conditions:
Hennekam lymphangiectasia-lymphedema syndrome 2 (HKLLS2). Identifiers: Orphanet 2136, MedGen C4014939, MONDO:0014454, OMIM 616006.

Allele frequency attached by ClinVar (database versions not stated): TOPMed below 0.00001; gnomAD 0.00001; gnomAD exomes 0.00001; ExAC 0.00002.
gnomAD v4.1: 27 of 1,614,062 alleles (0.0017%); highest among the groups gnomAD compares: South Asian, 0.021%; no homozygotes.

Submissions (2):

Clinical Genomics Laboratory, Washington University in St. Louis
Classification: Uncertain significance for Hennekam lymphangiectasia-lymphedema syndrome 2. Last evaluated: 2024-07-16. Review status: criteria provided, single submitter. Criteria: ACMG Guidelines, 2015. Collection method: clinical testing. Allele origin: germline.
Comment: A FAT4 c.11347A>G (p.Thr3783Ala) variant was identified at a near heterozygous allelic fraction of 47.8%, a frequency which may be consistent with germline origin. This variant, to our knowledge, has not been reported in the medical literature. It is only observed on 27/1,614,062 alleles in the general population (gnomAD v.4.1.0), indicating it is not a common variant. This variant has been reported in the ClinVar database as a germline variant of uncertain significance by one submitter (ClinVar Variation ID: 2655086). Computational predictors suggest that the variant does not impact FAT4 function. Due to limited information, and based on ACMG/AMP guidelines for variant interpretation (Richards S et al., PMID: 25741868), the clinical significance of the FAT4 c.11347A>G (p.Thr3783Ala) variant is uncertain at this time.

CeGaT Center for Human Genetics Tuebingen
Classification: Uncertain significance. Last evaluated: 2023-09-01. Review status: criteria provided, single submitter. Criteria: CeGaT Center For Human Genetics Tuebingen Variant Classification Criteria Version 2. Collection method: clinical testing. Allele origin: germline. Affected: yes. Observed: 1 variant allele.
Comment: FAT4: PM2, BP4

NM_001291303.3(FAT4):c.11347A>G (p.Thr3783Ala)

Gene: FAT4 (FAT atypical cadherin 4; plus strand). Cytogenetic location: 4q28.1.
Variant type: single nucleotide variant.
Coding change: c.11347A>G on transcript NM_001291303.3 (MANE Select); coding-DNA position 11347, A replaced by G.
Protein change: p.Thr3783Ala; replaces threonine 3783 with alanine.
Molecular consequence: missense variant.
Genome position (GRCh38, 1-based): chr4:125,452,357, A>G. VCF-style: chr4-125452357-A-G. GRCh37 (hg19) VCF-style: chr4-126373512-A-G.
Other names: c.11347A>G, p.Thr3783Ala (NM_001291285.3); c.11341A>G, p.Thr3781Ala (NM_024582.6); short protein forms T3781A, T3783A.
Identifiers: ClinVar variation 2655086 (VCV002655086.25), dbSNP rs778371325, ClinGen allele CA3073833.